The following is an entry in ClinVar:

NM_020529.3(NFKBIA):c.337-20G>A

Genes: NFKBIA (NFKB inhibitor alpha; minus strand), LOC130055494 (ATAC-STARR-seq lymphoblastoid active region 8276; plus strand). Cytogenetic location: 14q13.2.
Variant type: single nucleotide variant.
Coding change: c.337-20G>A on transcript NM_020529.3 (MANE Select); 20 bases into the intron before coding-DNA position 337, G replaced by A.
Molecular consequence: intron variant.
Genome position (GRCh38, 1-based): chr14:35,403,380, C>T on the plus strand (G>A on the coding strand, the complement: NFKBIA is on the minus strand). VCF-style: chr14-35403380-C-T. GRCh37 (hg19) VCF-style: chr14-35872586-C-T.
Identifiers: ClinVar variation 1033535 (VCV001033535.11), dbSNP rs371120371, ClinGen allele CA7155490.

ClinVar aggregate classification (germline): Conflicting classifications of pathogenicity. Review status: criteria provided, conflicting classifications (1 of 4 stars). 3 submissions from 3 submitters: Uncertain significance (1); Benign (1); Likely benign (1). Last evaluated 2026-01-26.

Conditions:
Ectodermal dysplasia and immunodeficiency 2. Identifiers: Orphanet 238468, Orphanet 98813, MedGen C2677481, MONDO:0012806, OMIM 612132.

Allele frequency attached by ClinVar (database versions not stated): gnomAD exomes 0.00012; 1000 Genomes Project 30x 0.00016; ExAC 0.00018; TOPMed 0.00020; gnomAD 0.00021 and 0.00023; ESP Exome Variant Server 0.00046.

Submissions (4):

Labcorp Genetics (formerly Invitae), Labcorp
Classification: Benign for Ectodermal dysplasia and immunodeficiency 2. Last evaluated: 2026-01-26. Review status: criteria provided, single submitter. Criteria: Invitae Variant Classification Sherloc (09022015). Collection method: clinical testing. Allele origin: germline.

Blueprint Genetics
Classification: Likely benign. Last evaluated: 2024-03-18. Review status: criteria provided, single submitter. Criteria: ACMG Guidelines, 2015. Collection method: clinical testing. Allele origin: germline.

Baylor Genetics
Classification: Uncertain significance for Ectodermal dysplasia and immunodeficiency 2. Last evaluated: 2018-06-15. Review status: criteria provided, single submitter. Criteria: ACMG Guidelines, 2015. Collection method: clinical testing. Allele origin: paternal. Affected: yes.
Comment: This variant was determined to be of uncertain significance according to ACMG Guidelines, 2015 [PMID:25741868].

Dr. Peter K. Rogan Lab, Western University
No classification provided (evidence only). Condition: Acute myeloid leukemia. Review status: no classification provided. Collection method: in vitro. Allele origin: not applicable. Functional consequence: retained intron. Not counted in ClinVar's aggregate classification.